The following is an entry in ClinVar:

ClinVar aggregate classification (germline): Uncertain significance. Review status: criteria provided, multiple submitters, no conflicts (2 of 4 stars). 3 submissions from 3 submitters: Uncertain significance (3). Last evaluated 2026-03-03.

Conditions:
SOS2-related disorder. Also called: SOS2-related condition.
Noonan syndrome 9 (NS9). Identifiers: Orphanet 648, MedGen C4225282, MONDO:0014691, OMIM 616559.
Cardiovascular phenotype. Identifiers: MedGen CN230736.

Submissions (3):

Ambry Genetics
Classification: Uncertain significance for Cardiovascular phenotype. Last evaluated: 2026-03-03. Review status: criteria provided, single submitter. Criteria: Ambry Variant Classification Scheme 2023. Collection method: clinical testing. Allele origin: germline.

PreventionGenetics, part of Exact Sciences
Classification: Uncertain significance for SOS2-related condition. Last evaluated: 2025-09-30. Review status: criteria provided, single submitter. Criteria: ACMG Guidelines, 2015. Collection method: clinical testing. Allele origin: germline.
Comment: The SOS2 c.1150A>G variant is predicted to result in the amino acid substitution p.Ser384Gly. To our knowledge, this variant has not been reported in the literature or in a large population database (gnomAD), indicating this variant is rare. At this time, the clinical significance of this variant is uncertain due to the absence of conclusive functional and genetic evidence.

Labcorp Genetics (formerly Invitae), Labcorp
Classification: Uncertain significance for Noonan syndrome 9. Last evaluated: 2024-10-09. Review status: criteria provided, single submitter. Criteria: Invitae Variant Classification Sherloc (09022015). Collection method: clinical testing. Allele origin: germline.
Comment: This sequence change replaces serine, which is neutral and polar, with glycine, which is neutral and non-polar, at codon 384 of the SOS2 protein (p.Ser384Gly). This variant is not present in population databases (gnomAD no frequency). This variant has not been reported in the literature in individuals affected with SOS2-related conditions. Invitae Evidence Modeling of protein sequence and biophysical properties (such as structural, functional, and spatial information, amino acid conservation, physicochemical variation, residue mobility, and thermodynamic stability) indicates that this missense variant is not expected to disrupt SOS2 protein function with a negative predictive value of 95%. In summary, the available evidence is currently insufficient to determine the role of this variant in disease. Therefore, it has been classified as a Variant of Uncertain Significance.

NM_006939.4(SOS2):c.1150A>G (p.Ser384Gly)

Gene: SOS2 (SOS Ras/Rho guanine nucleotide exchange factor 2; minus strand). Cytogenetic location: 14q21.3.
Variant type: single nucleotide variant.
Coding change: c.1150A>G on transcript NM_006939.4 (MANE Select); coding-DNA position 1150, A replaced by G.
Protein change: p.Ser384Gly; replaces serine 384 with glycine.
Molecular consequence: missense variant.
Genome position (GRCh38, 1-based): chr14:50,161,528, T>C on the plus strand (A>G on the coding strand, the complement: SOS2 is on the minus strand). VCF-style: chr14-50161528-T-C. GRCh37 (hg19) VCF-style: chr14-50628246-T-C.
Other names: c.1150A>G (NM_006939.3, NM_006939.2); c.1051A>G, p.Ser351Gly (NM_001411020.1); short protein forms S351G, S384G.
Identifiers: ClinVar variation 3612520 (VCV003612520.4).